The following is an entry in ClinVar:

ClinVar aggregate classification (germline): Uncertain significance (1 of 4 stars; one submission).

Submission:

GeneDx
Classification: Uncertain significance. Last evaluated: 2025-06-09. Review status: criteria provided, single submitter. Criteria: GeneDx Variant Classification Process June 2021. Collection method: clinical testing. Allele origin: germline. Affected: yes.
Comment: Not observed at significant frequency in large population cohorts (gnomAD); In silico analysis supports that this missense variant has a deleterious effect on protein structure/function; Has not been previously published as pathogenic or benign to our knowledge

NM_006245.4(PPP2R5D):c.809T>G (p.Leu270Trp)

Gene: PPP2R5D (protein phosphatase 2 regulatory subunit B'delta; plus strand). Cytogenetic location: 6p21.1.
Variant type: single nucleotide variant.
Coding change: c.809T>G on transcript NM_006245.4 (MANE Select); coding-DNA position 809, T replaced by G.
Protein change: p.Leu270Trp; replaces leucine 270 with tryptophan.
Molecular consequence: missense variant.
Genome position (GRCh38, 1-based): chr6:43,008,017, T>G. VCF-style: chr6-43008017-T-G. GRCh37 (hg19) VCF-style: chr6-42975755-T-G.
Other names: c.356T>G, p.Leu119Trp (NM_001270476.2); c.713T>G, p.Leu238Trp (NM_180976.3); c.491T>G, p.Leu164Trp (NM_180977.3); short protein forms L119W, L164W, L238W, L270W.
Identifiers: ClinVar variation 4538020 (VCV004538020.1).